The following is an entry in ClinVar:

ClinVar aggregate classification (germline): Uncertain significance (1 of 4 stars; one submission).

Conditions:
Rubinstein-Taybi syndrome (RSTS). Identifiers: Orphanet 783, MedGen C0035934, MONDO:0019188.

Submission:

Labcorp Genetics (formerly Invitae), Labcorp
Classification: Uncertain significance for Rubinstein-Taybi syndrome. Last evaluated: 2023-10-22. Review status: criteria provided, single submitter. Criteria: Invitae Variant Classification Sherloc (09022015). Collection method: clinical testing. Allele origin: germline.
Comment: This sequence change replaces glutamic acid, which is acidic and polar, with glycine, which is neutral and non-polar, at codon 642 of the CREBBP protein (p.Glu642Gly). This variant is not present in population databases (gnomAD no frequency). This variant has not been reported in the literature in individuals affected with CREBBP-related conditions. Advanced modeling of protein sequence and biophysical properties (such as structural, functional, and spatial information, amino acid conservation, physicochemical variation, residue mobility, and thermodynamic stability) performed at Invitae indicates that this missense variant is expected to disrupt CREBBP protein function. In summary, the available evidence is currently insufficient to determine the role of this variant in disease. Therefore, it has been classified as a Variant of Uncertain Significance.

NM_004380.3(CREBBP):c.1925A>G (p.Glu642Gly)

Gene: CREBBP (CREB binding lysine acetyltransferase; minus strand). Cytogenetic location: 16p13.3.
Variant type: single nucleotide variant.
Coding change: c.1925A>G on transcript NM_004380.3 (MANE Select); coding-DNA position 1925, A replaced by G.
Protein change: p.Glu642Gly; replaces glutamic acid 642 with glycine.
Molecular consequence: missense variant.
Genome position (GRCh38, 1-based): chr16:3,778,716, T>C on the plus strand (A>G on the coding strand, the complement: CREBBP is on the minus strand). VCF-style: chr16-3778716-T-C. GRCh37 (hg19) VCF-style: chr16-3828717-T-C.
Other names: c.1811A>G, p.Glu604Gly (NM_001079846.1); short protein forms E642G, E604G.
Identifiers: ClinVar variation 2770867 (VCV002770867.3), dbSNP rs2141237141, ClinGen allele CA394555154.